The following is an entry in ClinVar:

NM_003072.5(SMARCA4):c.3394G>T (p.Ala1132Ser)

Gene: SMARCA4 (SWI/SNF related BAF chromatin remodeling complex subunit ATPase 4; plus strand). Cytogenetic location: 19p13.2.
Variant type: single nucleotide variant.
Coding change: c.3394G>T on transcript NM_003072.5 (MANE Select); coding-DNA position 3394, G replaced by T.
Protein change: p.Ala1132Ser; replaces alanine 1132 with serine.
Molecular consequence: missense variant. On other transcripts: non-coding transcript variant (1).
Genome position (GRCh38, 1-based): chr19:11,030,741, G>T. VCF-style: chr19-11030741-G-T. GRCh37 (hg19) VCF-style: chr19-11141417-G-T.
Other names: c.3394G>T, p.Ala1132Ser (NM_001128844.3, NM_001128845.2, NM_001128846.2 and 5 more transcripts); c.3394G>T (NM_001128849.1); short protein forms A1132S.
Identifiers: ClinVar variation 1059915 (VCV001059915.11), dbSNP rs2146597778, ClinGen allele CA404062524.

ClinVar aggregate classification (germline): Uncertain significance. Review status: criteria provided, multiple submitters, no conflicts (2 of 4 stars). 2 submissions from 2 submitters: Uncertain significance (2). Last evaluated 2024-08-05.

Conditions:
Hereditary cancer-predisposing syndrome. Also called: Neoplastic Syndromes, Hereditary; Hereditary Cancer Syndrome; Hereditary neoplastic syndrome; Tumor predisposition. Identifiers: Orphanet 140162, MedGen C0027672, MeSH D009386, MONDO:0015356.
Rhabdoid tumor predisposition syndrome 2 (RTPS2). Identifiers: Orphanet 231108, Orphanet 69077, MedGen C2750074, MONDO:0013224, OMIM 613325.

Submissions (2):

Ambry Genetics
Classification: Uncertain significance for Hereditary cancer-predisposing syndrome. Last evaluated: 2024-08-05. Review status: criteria provided, single submitter. Criteria: Ambry Variant Classification Scheme 2023. Collection method: clinical testing. Allele origin: germline.
Comment: The p.A1132S variant (also known as c.3394G>T), located in coding exon 24 of the SMARCA4 gene, results from a G to T substitution at nucleotide position 3394. The alanine at codon 1132 is replaced by serine, an amino acid with similar properties. This amino acid position is well conserved in available vertebrate species. In addition, this alteration is predicted to be tolerated by in silico analysis. Missense and in-frame variants in SMARCA4 are known to cause neurodevelopmental disorders; however, such associations with rhabdoid tumor predisposition syndrome including small cell carcinoma of the ovary-hypercalcemic type (SCCOHT) are exceedingly rare (Kosho T et al. Am J Med Genet C Semin Med Genet. 2014 Sep;166C(3):262-75; Jelinic P et al. Nat Genet. 2014 May;46(5):424-6). Based on the supporting evidence, the association of this alteration with Coffin-Siris syndrome is unknown; however, the association of this alteration with rhabdoid tumor predisposition syndrome is unlikely.

Labcorp Genetics (formerly Invitae), Labcorp
Classification: Uncertain significance for Rhabdoid tumor predisposition syndrome 2. Last evaluated: 2024-05-07. Review status: criteria provided, single submitter. Criteria: Invitae Variant Classification Sherloc (09022015). Collection method: clinical testing. Allele origin: germline.
Comment: This sequence change replaces alanine, which is neutral and non-polar, with serine, which is neutral and polar, at codon 1132 of the SMARCA4 protein (p.Ala1132Ser). This variant is not present in population databases (gnomAD no frequency). This variant has not been reported in the literature in individuals affected with SMARCA4-related conditions. ClinVar contains an entry for this variant (Variation ID: 1059915). Advanced modeling of protein sequence and biophysical properties (such as structural, functional, and spatial information, amino acid conservation, physicochemical variation, residue mobility, and thermodynamic stability) performed at Invitae indicates that this missense variant is not expected to disrupt SMARCA4 protein function with a negative predictive value of 95%. In summary, the available evidence is currently insufficient to determine the role of this variant in disease. Therefore, it has been classified as a Variant of Uncertain Significance.